The following is an entry in ClinVar:

NM_206933.4(USH2A):c.10324G>T (p.Glu3442Ter)

Gene: USH2A (usherin; minus strand). Cytogenetic location: 1q41.
Variant type: single nucleotide variant.
Coding change: c.10324G>T on transcript NM_206933.4 (MANE Select); coding-DNA position 10324, G replaced by T.
Protein change: p.Glu3442Ter; replaces glutamic acid 3442 with a stop codon.
Molecular consequence: nonsense.
Genome position (GRCh38, 1-based): chr1:215,786,733, C>A on the plus strand (G>T on the coding strand, the complement: USH2A is on the minus strand). VCF-style: chr1-215786733-C-A. GRCh37 (hg19) VCF-style: chr1-215960075-C-A.
Other names: short protein forms E3442*.
Identifiers: ClinVar variation 959949 (VCV000959949.9), dbSNP rs1388161283, ClinGen allele CA344839773.

ClinVar aggregate classification (germline): Pathogenic/Likely pathogenic. Review status: criteria provided, multiple submitters, no conflicts (2 of 4 stars). 2 submissions from 2 submitters: Pathogenic (1); Likely pathogenic (1). Last evaluated 2024-03-12.

Conditions:
USH2A-related disorder. Also called: USH2A-related disorders; USH2A-related condition. Identifiers: MedGen CN239332.

Submissions (2):

Labcorp Genetics (formerly Invitae), Labcorp
Classification: Pathogenic. Last evaluated: 2024-03-12. Review status: criteria provided, single submitter. Criteria: Invitae Variant Classification Sherloc (09022015). Collection method: clinical testing. Allele origin: germline.
Comment: This sequence change creates a premature translational stop signal (p.Glu3442*) in the USH2A gene. It is expected to result in an absent or disrupted protein product. Loss-of-function variants in USH2A are known to be pathogenic (PMID: 10729113, 10909849, 20507924, 25649381). This variant is not present in population databases (gnomAD no frequency). This variant has not been reported in the literature in individuals affected with USH2A-related conditions. ClinVar contains an entry for this variant (Variation ID: 959949). Algorithms developed to predict the effect of sequence changes on RNA splicing suggest that this variant may disrupt the consensus splice site. For these reasons, this variant has been classified as Pathogenic.

Blueprint Genetics
Classification: Likely pathogenic for USH2A-related disorders. Last evaluated: 2021-08-25. Review status: criteria provided, single submitter. Criteria: ACMG Guidelines, 2015. Collection method: clinical testing. Allele origin: germline. Affected: yes. Observed: 2 variant alleles.

Literature cited by the submitters: PubMed 10729113 (cited by Labcorp Genetics (formerly Invitae), Labcorp); PubMed 10909849 (cited by Labcorp Genetics (formerly Invitae), Labcorp); PubMed 20507924 (cited by Labcorp Genetics (formerly Invitae), Labcorp); PubMed 25649381 (cited by Labcorp Genetics (formerly Invitae), Labcorp).